The following is an entry in ClinVar:

NM_005732.4(RAD50):c.662G>A (p.Cys221Tyr)

Gene: RAD50 (RAD50 double strand break repair protein; plus strand). Cytogenetic location: 5q31.1.
Variant type: single nucleotide variant.
Coding change: c.662G>A on transcript NM_005732.4 (MANE Select); coding-DNA position 662, G replaced by A.
Protein change: p.Cys221Tyr; replaces cysteine 221 with tyrosine.
Molecular consequence: missense variant.
Genome position (GRCh38, 1-based): chr5:132,579,972, G>A. VCF-style: chr5-132579972-G-A. GRCh37 (hg19) VCF-style: chr5-131915664-G-A.
Other names: short protein forms C221Y.
Identifiers: ClinVar variation 4677750 (VCV004677750.1).

ClinVar aggregate classification (germline): Uncertain significance (1 of 4 stars; one submission).

Conditions:
Hereditary cancer-predisposing syndrome. Also called: Neoplastic Syndromes, Hereditary; Tumor predisposition; Hereditary Cancer Syndrome; Hereditary neoplastic syndrome. Identifiers: Orphanet 140162, MedGen C0027672, MeSH D009386, MONDO:0015356.

Submission:

Ambry Genetics
Classification: Uncertain significance for Hereditary cancer-predisposing syndrome. Last evaluated: 2025-09-17. Review status: criteria provided, single submitter. Criteria: Ambry Variant Classification Scheme 2023. Collection method: clinical testing. Allele origin: germline.
Comment: The p.C221Y variant (also known as c.662G>A), located in coding exon 5 of the RAD50 gene, results from a G to A substitution at nucleotide position 662. The cysteine at codon 221 is replaced by tyrosine, an amino acid with highly dissimilar properties. This amino acid position is conserved. In addition, this alteration is predicted to be tolerated by in silico analysis. Based on the available evidence, the clinical significance of this variant remains unclear.